The following is an entry in ClinVar:

ClinVar aggregate classification (germline): Conflicting classifications of pathogenicity. Review status: criteria provided, conflicting classifications (1 of 4 stars). 25 submissions from 21 submitters: Uncertain significance (4); Benign (4); Likely benign (12). 5 of the submissions do not count toward it. Last evaluated 2026-09-01.

Conditions:
Cardiovascular phenotype. Identifiers: MedGen CN230736.
TTN-related disorder. Also called: TTN-related disorders; TTN-related condition; TTN-related disease.
Autosomal recessive limb-girdle muscular dystrophy type 2J (LGMDR10). Also called: Limb-girdle muscular dystrophy, type 2J; MUSCULAR DYSTROPHY, LIMB-GIRDLE, AUTOSOMAL RECESSIVE 10. Identifiers: Orphanet 140922, MedGen C1837342, MONDO:0012127, OMIM 608807.
Dilated cardiomyopathy 1G (CMD1G). Identifiers: Orphanet 154, MedGen C1858763, MONDO:0011400, OMIM 604145.
Cardiomyopathy (CMYO). Also called: Cardiomyopathies. Identifiers: Orphanet 167848, MedGen C0878544, MONDO:0004994, HP:0001638. Inheritance: Various modes of inheritance.
Tibial muscular dystrophy (TMD). Also called: Udd Distal Myopathy – Tibial Muscular Dystrophy; Tibial muscular dystrophy, tardive; UDD MYOPATHY. Identifiers: Orphanet 609, MedGen C1838244, MONDO:0010870, OMIM 600334.
Early-onset myopathy with fatal cardiomyopathy (CMYO5). Also called: Salih Myopathy; CONGENITAL MYOPATHY 5 WITH CARDIOMYOPATHY. Identifiers: Orphanet 289377, MedGen C2673677, MONDO:0012714, OMIM 611705. Disease mechanism: loss of function.
Myopathy, myofibrillar, 9, with early respiratory failure (MFM9). Also called: EDSTROM MYOPATHY; MYOPATHY, PROXIMAL, WITH EARLY RESPIRATORY MUSCLE INVOLVEMENT; Hereditary myopathy with early respiratory failure; Myopathy, distal, with early respiratory failure, autosomal dominant. Identifiers: Orphanet 178464, Orphanet 34521, MedGen C1863599, MONDO:0011362, OMIM 603689.
Tip-toe gait. Also called: Toe walking. Identifiers: MedGen C0427144, HP:0030051.

Allele frequency attached by ClinVar (database versions not stated): TOPMed 0.00042; gnomAD 0.00049 and 0.00051; ESP Exome Variant Server 0.00057.
gnomAD v4.1: 1,030 of 1,613,764 alleles (0.064%); highest among the groups gnomAD compares: Non-Finnish European, 0.079%; 2 homozygotes.

Submissions (25):

CeGaT Center for Human Genetics Tuebingen
Classification: Likely benign. Last evaluated: 2026-09-01. Review status: criteria provided, single submitter. Criteria: CeGaT Center For Human Genetics Tuebingen Variant Classification Criteria Version 2. Collection method: clinical testing. Allele origin: germline. Affected: yes. Observed: 6 variant alleles.
Comment: TTN: BP4, BS2

Labcorp Genetics (formerly Invitae), Labcorp
Classification: Likely benign for Dilated cardiomyopathy 1G; Autosomal recessive limb-girdle muscular dystrophy type 2J. Last evaluated: 2026-01-28. Review status: criteria provided, single submitter. Criteria: Invitae Variant Classification Sherloc (09022015). Collection method: clinical testing. Allele origin: germline.

ARUP Laboratories, Molecular Genetics and Genomics, ARUP Laboratories
Classification: Likely benign. Last evaluated: 2025-07-03. Review status: criteria provided, single submitter. Criteria: ARUP Molecular Germline Variant Investigation Process 2024. Collection method: clinical testing. Allele origin: germline.

Molecular Diagnostic Laboratory for Inherited Cardiovascular Disease, Montreal Heart Institute
Classification: Likely benign. Last evaluated: 2025-04-09. Review status: criteria provided, single submitter. Criteria: ACMG Guidelines, 2015. Collection method: clinical testing. Allele origin: germline. Affected: no.

PreventionGenetics, part of Exact Sciences
Classification: Likely benign for TTN-related condition. Last evaluated: 2025-03-11. Review status: criteria provided, single submitter. Criteria: ACMG Guidelines, 2015. Collection method: clinical testing. Allele origin: germline.
Comment: This variant is classified as likely benign based on ACMG/AMP sequence variant interpretation guidelines (Richards et al. 2015 PMID: 25741868, with internal and published modifications).

Mayo Clinic Laboratories, Mayo Clinic
Classification: Likely benign. Last evaluated: 2025-03-05. Review status: criteria provided, single submitter. Criteria: ACMG Guidelines, 2015. Collection method: clinical testing. Allele origin: germline. Observed: 2 variant alleles.
Comment: BS1, BP4

Blueprint Genetics
Classification: Likely benign. Last evaluated: 2024-11-11. Review status: criteria provided, single submitter. Criteria: ACMG Guidelines, 2015. Collection method: clinical testing. Allele origin: germline.

CHEO Genetics Diagnostic Laboratory, Children's Hospital of Eastern Ontario
Classification: Benign for Cardiomyopathy. Last evaluated: 2023-03-13. Review status: criteria provided, single submitter. Criteria: ACMG Guidelines, 2015. Collection method: clinical testing. Allele origin: germline.

Women's Health and Genetics/Laboratory Corporation of America, LabCorp
Classification: Likely benign. Last evaluated: 2022-12-06. Review status: criteria provided, single submitter. Criteria: LabCorp Variant Classification Summary - May 2015. Collection method: clinical testing. Allele origin: germline.

GeneDx
Classification: Likely benign. Last evaluated: 2021-05-26. Review status: criteria provided, single submitter. Criteria: GeneDx Variant Classification Process June 2021. Collection method: clinical testing. Allele origin: germline. Affected: yes.

Laboratory for Molecular Medicine, Mass General Brigham Personalized Medicine
Classification: Benign. Last evaluated: 2018-07-17. Review status: criteria provided, single submitter. Criteria: LMM Criteria. Collection method: clinical testing. Allele origin: germline. Observed: 2 variant alleles.
Comment: The p.Val7078Leu variant in TTN is classified as benign because it has been iden tified in 0.1% (142/126208) of European chromosomes by the Genome Aggregation Da tabase (gnomAD). ACMG/AMP Criteria applied: BA 1.

Athena Diagnostics
Classification: Likely benign. Last evaluated: 2018-02-09. Review status: criteria provided, single submitter. Criteria: Athena Diagnostics Criteria. Collection method: clinical testing. Allele origin: germline.

Illumina Laboratory Services, Illumina
Classification: Benign for Tibial muscular dystrophy. Last evaluated: 2018-01-12. Review status: criteria provided, single submitter. Criteria: ICSL Variant Classification Criteria 13 December 2019. Collection method: clinical testing. Allele origin: germline.
Comment: This variant was observed in the ICSL laboratory as part of a predisposition screen in an ostensibly healthy population. It had not been previously curated by ICSL or reported in the Human Gene Mutation Database (HGMD: prior to June 1st, 2018), and was therefore a candidate for classification through an automated scoring system. Utilizing variant allele frequency, disease prevalence and penetrance estimates, and inheritance mode, an automated score was calculated to assess if this variant is too frequent to cause the disease. Based on the score and internal cut-off values, a variant classified as benign is not then subjected to further curation. The score for this variant resulted in a classification of benign for this disease.

Illumina Laboratory Services, Illumina
Classification: Uncertain significance for Dilated cardiomyopathy 1G. Last evaluated: 2018-01-12. Review status: criteria provided, single submitter. Criteria: ICSL Variant Classification Criteria 13 December 2019. Collection method: clinical testing. Allele origin: germline.

Illumina Laboratory Services, Illumina
Classification: Benign for Myopathy, myofibrillar, 9, with early respiratory failure. Last evaluated: 2018-01-12. Review status: criteria provided, single submitter. Criteria: ICSL Variant Classification Criteria 13 December 2019. Collection method: clinical testing. Allele origin: germline.
Comment: the same text as in the submission from Illumina Laboratory Services, Illumina above.

Illumina Laboratory Services, Illumina
Classification: Uncertain significance for Autosomal recessive limb-girdle muscular dystrophy type 2J. Last evaluated: 2018-01-12. Review status: criteria provided, single submitter. Criteria: ICSL Variant Classification Criteria 13 December 2019. Collection method: clinical testing. Allele origin: germline.

Illumina Laboratory Services, Illumina
Classification: Uncertain significance for Early-onset myopathy with fatal cardiomyopathy. Last evaluated: 2018-01-12. Review status: criteria provided, single submitter. Criteria: ICSL Variant Classification Criteria 13 December 2019. Collection method: clinical testing. Allele origin: germline.

Eurofins Ntd Llc (ga)
Classification: Uncertain significance. Last evaluated: 2017-11-21. Review status: criteria provided, single submitter. Criteria: EGL Classification Definitions 2015. Collection method: clinical testing. Allele origin: germline. Observed: 7 variant alleles, 7 heterozygotes.

Ambry Genetics
Classification: Likely benign for Cardiovascular phenotype. Last evaluated: 2013-11-08. Review status: criteria provided, single submitter. Criteria: Ambry Autosomal Dominant and X-Linked criteria (10/2015). Collection method: clinical testing. Allele origin: germline. Observed: 1 variant allele.

Biesecker Lab/Clinical Genomics Section, National Institutes of Health
Classification: Likely benign. Last evaluated: 2013-06-24. Review status: criteria provided, single submitter. Criteria: Ng et al. (Circ Cardiovasc Genet. 2013). Collection method: research. Allele origin: unknown. Observed: 2 variant alleles. Study: ClinSeq.
Comment: The study set was not selected for affection status in relation to any cancer. Pathogenicity categories were based on literature curation. See Pubmed ID:23861362 for details.

Medical sequencing

Clinical Genetics DNA and cytogenetics Diagnostics Lab, Erasmus MC, Erasmus Medical Center
Classification: Likely benign. Review status: no assertion criteria provided. Collection method: clinical testing. Allele origin: germline. Affected: yes. Study: VKGL Data-share Consensus. Not counted in ClinVar's aggregate classification.

Clinical Genetics, Academic Medical Center
Classification: Benign. Review status: no assertion criteria provided. Collection method: clinical testing. Allele origin: germline. Affected: yes. Study: VKGL Data-share Consensus. Not counted in ClinVar's aggregate classification.

Joint Genome Diagnostic Labs from Nijmegen and Maastricht, Radboudumc and MUMC+
Classification: Likely benign. Review status: no assertion criteria provided. Collection method: clinical testing. Allele origin: germline. Affected: yes. Study: VKGL Data-share Consensus. Not counted in ClinVar's aggregate classification.

Laboratory of Diagnostic Genome Analysis, Leiden University Medical Center (LUMC)
Classification: Likely benign. Review status: no assertion criteria provided. Collection method: clinical testing. Allele origin: germline. Affected: yes. Study: VKGL Data-share Consensus. Not counted in ClinVar's aggregate classification.

Practice for Gait Abnormalities, David Pomarino, Competency Network Toe Walking C/o Practice Pomarino
Classification: Likely pathogenic for Tip-toe gait. Review status: no assertion criteria provided. Collection method: clinical testing. Allele origin: germline. Affected: yes. Not counted in ClinVar's aggregate classification.
Comment: Myopathy refers to diseases that affect skeletal Muscles. These diseases attack muscle fibers, making muscles weak. Inherited myopathies are often caused by inheriting an abnormal gene mutation from a parent that causes the disease. Symptoms of congenital myopathies usually start at birth or in early childhood, but may not appear until the teen years or even later in adulthood. Congenital myopathies are somewhat unique compared with other inherited myopathies, as weakness typically affects all muscles and is often not progressive. Symptoms are: Muscle weakness, most commonly of upper arms and shoulders and thighs, muscle cramps, stiffness and spasms, fatigue with exertion and lack of energy. Our patients all walk on tiptoe, so they show similar symptoms. When we genetically test them with our toe walking panel, we find that around 90 per cent of them have a genetic variant that explains their toe walking. These can be assigned, for example, to the area of myopathies (such as variants of the COL6A3 gene), the area of hereditary neuropathies (such as variants of the KMT2C gene) or the area of metabolic diseases (such as variants of the PYGM gene). In a smaller group of patients with almost identical symptoms, no abnormality is found in the genes of our panel, but spastic paraplegia can be detected. In another small group of our toe walkers, no abnormalities can be detected in the genes analysed in our toe walking panel, nor do they suffer from spastic paraplegia, as is also the case with healthy children. In contrast to these, however, they show a tiptoe gait. These patients suffer from infantile cerebral palsy, in which toe walking can also be observed.

Literature cited by the submitters: PubMed 23861362 (cited by Laboratory for Molecular Medicine, Mass General Brigham Personalized Medicine); PubMed 37091313 (cited by Practice for Gait Abnormalities, David Pomarino, Competency Network Toe Walking C/o Practice Pomarino).

NM_001267550.2(TTN):c.24964G>T (p.Val8322Leu)

Gene: TTN (titin; minus strand). Cytogenetic location: 2q31.2.
Variant type: single nucleotide variant.
Coding change: c.24964G>T on transcript NM_001267550.2 (MANE Select); coding-DNA position 24964, G replaced by T.
Protein change: p.Val8322Leu; replaces valine 8322 with leucine.
Molecular consequence: missense variant. On other transcripts: intron variant (3).
Genome position (GRCh38, 1-based): chr2:178,718,042, C>A on the plus strand (G>T on the coding strand, the complement: TTN is on the minus strand). VCF-style: chr2-178718042-C-A. GRCh37 (hg19) VCF-style: chr2-179582769-C-A.
Other names: p.V7078L:GTA>TTA; p.Val8005Leu; c.13282+20040G>T (NM_003319.4); c.13858+20040G>T (NM_133437.4); c.13657+20040G>T (NM_133432.3); c.24013G>T, p.Val8005Leu (NM_001256850.1); c.21232G>T, p.Val7078Leu (NM_133378.4); short protein forms V7078L, V8322L, V8005L.
Identifiers: ClinVar variation 166151 (VCV000166151.88), dbSNP rs201571580, ClinGen allele CA178960.
Genomic context (GRCh38, chr2:178,718,042, plus strand): 5'-CACTGTTGTCTGCCTTGCATGAATACTCTCCCACATCACTGTGATCCACTTTGTTGATTA[C>A]TAAGGAAGCAACGTTATTTTTGAATTGCATTTTATATGCAGGAGCTGATCGTAGCTTTGT-3'
Protein context (NP_001254479.2, residues 8312-8332): MQFKNNVASL[Val8322Leu]INKVDHSDVG